The following is an entry in ClinVar:

NM_000070.3(CAPN3):c.1636C>T (p.Arg546Cys)

Gene: CAPN3 (calpain 3; plus strand). Cytogenetic location: 15q15.1.
Variant type: single nucleotide variant.
Coding change: c.1636C>T on transcript NM_000070.3 (MANE Select); coding-DNA position 1636, C replaced by T.
Protein change: p.Arg546Cys; replaces arginine 546 with cysteine.
Molecular consequence: missense variant.
Genome position (GRCh38, 1-based): chr15:42,402,893, C>T. VCF-style: chr15-42402893-C-T. GRCh37 (hg19) VCF-style: chr15-42695091-C-T.
Other names: c.1636C>T, p.Arg546Cys (NM_024344.2); c.1492C>T, p.Arg498Cys (NM_173087.2); c.100C>T, p.Arg34Cys (NM_173088.2); short protein forms R546C, R498C, R34C.
Identifiers: ClinVar variation 284465 (VCV000284465.47), dbSNP rs372438001, ClinGen allele CA7511450.

ClinVar aggregate classification (germline): Conflicting classifications of pathogenicity. Review status: criteria provided, conflicting classifications (1 of 4 stars). 8 submissions from 8 submitters: Likely pathogenic (5); Uncertain significance (1). 2 of the submissions do not count toward it. Last evaluated 2025-09-07.

Conditions:
Muscular dystrophy, limb-girdle, autosomal dominant 4. Also called: Calpain-3-related limb-girdle muscular dystrophy D4; MUSCULAR DYSTROPHY, LIMB-GIRDLE, TYPE 1I. Identifiers: Orphanet 565909, MedGen C4748295, MONDO:0029133, OMIM 618129.
Autosomal recessive limb-girdle muscular dystrophy type 2A (LGMDR1). Also called: Calpainopathy; MUSCULAR DYSTROPHY, PELVOFEMORAL; Limb-girdle muscular dystrophy, type 2A; Muscular dystrophy, limb-girdle, type 2A, Amish; LEYDEN-MOEBIUS MUSCULAR DYSTROPHY. Identifiers: Orphanet 267, MedGen C1869123, MONDO:0009675, OMIM 253600. Disease mechanism: loss of function.
Abnormality of the musculature. Identifiers: MedGen C4021745, HP:0003011.

Allele frequency attached by ClinVar (database versions not stated): gnomAD 0.00001; gnomAD exomes 0.00001 and 0.00003; ExAC 0.00002; TOPMed 0.00006; ESP Exome Variant Server 0.00008.
gnomAD v4.1: 22 of 1,613,994 alleles (0.0014%); highest among the groups gnomAD compares: Admixed American, 0.0083%; no homozygotes.

Submissions (8):

Labcorp Genetics (formerly Invitae), Labcorp
Classification: Likely pathogenic for Autosomal recessive limb-girdle muscular dystrophy type 2A. Last evaluated: 2025-09-07. Review status: criteria provided, single submitter. Criteria: Invitae Variant Classification Sherloc (09022015). Collection method: clinical testing. Allele origin: germline.
Comment: This sequence change replaces arginine, which is basic and polar, with cysteine, which is neutral and slightly polar, at codon 546 of the CAPN3 protein (p.Arg546Cys). This variant is present in population databases (rs372438001, gnomAD 0.01%). This missense change has been observed in individual(s) with clinical features of autosomal recessive limb-girdle muscular dystrophy (PMID: 27363342, 38374194; internal data). In at least one individual the data is consistent with being in trans (on the opposite chromosome) from a pathogenic variant. ClinVar contains an entry for this variant (Variation ID: 284465). Invitae Evidence Modeling of protein sequence and biophysical properties (such as structural, functional, and spatial information, amino acid conservation, physicochemical variation, residue mobility, and thermodynamic stability) indicates that this missense variant is expected to disrupt CAPN3 protein function with a positive predictive value of 80%. In summary, the currently available evidence indicates that the variant is pathogenic, but additional data are needed to prove that conclusively. Therefore, this variant has been classified as Likely Pathogenic.

3billion
Classification: Likely pathogenic for Autosomal recessive limb-girdle muscular dystrophy type 2A. Last evaluated: 2025-03-28. Review status: criteria provided, single submitter. Criteria: ACMG Guidelines, 2015. Collection method: clinical testing. Allele origin: germline. Affected: yes.

Fulgent Genetics
Classification: Likely pathogenic for Autosomal recessive limb-girdle muscular dystrophy type 2A; Muscular dystrophy, limb-girdle, autosomal dominant 4. Last evaluated: 2024-04-25. Review status: criteria provided, single submitter. Criteria: ACMG Guidelines, 2015. Collection method: clinical testing. Allele origin: germline.

Revvity Omics, Revvity
Classification: Uncertain significance. Last evaluated: 2022-01-03. Review status: criteria provided, single submitter. Criteria: ACMG Guidelines, 2015. Collection method: clinical testing. Allele origin: germline.

Kariminejad - Najmabadi Pathology & Genetics Center
Classification: Likely pathogenic for Abnormality of the musculature. Last evaluated: 2021-07-10. Review status: criteria provided, single submitter. Criteria: ACMG Guidelines, 2015. Collection method: clinical testing. Allele origin: germline. Affected: yes.

Eurofins Ntd Llc (ga)
Classification: Likely pathogenic. Last evaluated: 2017-06-13. Review status: criteria provided, single submitter. Criteria: EGL Classification Definitions 2015. Collection method: clinical testing. Allele origin: germline. Observed: 6 variant alleles, 5 heterozygotes, 1 homozygote.

Natera, Inc.
Classification: Uncertain significance for Limb-girdle muscular dystrophy type 2A. Last evaluated: 2020-08-05. Review status: no assertion criteria provided. Collection method: clinical testing. Allele origin: germline. Not counted in ClinVar's aggregate classification.

Counsyl
Classification: Uncertain significance for Autosomal recessive limb-girdle muscular dystrophy type 2A. Last evaluated: 2017-11-13. Review status: no assertion criteria provided. Collection method: clinical testing. Allele origin: unknown. Not counted in ClinVar's aggregate classification.

Literature cited by the submitters: PubMed 27363342 (cited by 3 submitters); PubMed 38374194 (cited by Labcorp Genetics (formerly Invitae), Labcorp).